The following is an entry in ClinVar:

ClinVar aggregate classification (germline): Benign (1 of 4 stars; one submission).

Submission:

CeGaT Center for Human Genetics Tuebingen
Classification: Benign. Last evaluated: 2026-09-01. Review status: criteria provided, single submitter. Criteria: CeGaT Center For Human Genetics Tuebingen Variant Classification Criteria Version 2. Collection method: clinical testing. Allele origin: germline. Affected: yes. Observed: 2 variant alleles.
Comment: NIPBL: BS1, BS2

NM_133433.4(NIPBL):c.-79-1599TG[26]

Gene: NIPBL (NIPBL cohesin loading factor; plus strand). Cytogenetic location: 5p13.2.
Variant type: Microsatellite.
Coding change: c.-79-1599TG[26] on transcript NM_133433.4 (MANE Select); 26 copies in a row of the 2-base unit TG starting at c.-79-1599; the reference has 18 copies in a row; eight copies, 16 bases duplicated.
Molecular consequence: intron variant.
Genome position (GRCh38, 1-based): chr5:36,952,039-36,952,054, TGTGTGTGTGTGTGTG duplicated; duplicating any 16 consecutive bases within chr5:36,952,019-36,952,054 gives the same sequence; the position shown is the placement nearest the transcript's 3' end. VCF-style (leftmost placement, unchanged base first): chr5-36952018-C-CTGTGTGTGTGTGTGTG. GRCh37 (hg19) VCF-style: chr5-36952120-C-CTGTGTGTGTGTGTGTG.
Other names: c.-79-1599TG[26] (NM_015384.5).
Identifiers: ClinVar variation 2655411 (VCV002655411.24), dbSNP rs60067315, ClinGen allele CA810290869.